The following is an entry in ClinVar:

ClinVar aggregate classification (germline): Likely benign. Review status: reviewed by expert panel (3 of 4 stars). 2 submissions from 2 submitters: Likely benign (1). 1 of the submissions does not count toward it. Last evaluated 2025-02-25.

Conditions:
Hereditary thrombocytopenia and hematologic cancer predisposition syndrome. Identifiers: Orphanet 71290, MedGen CN281654, MONDO:0011071.
Inborn genetic diseases. Identifiers: MedGen C0950123, MeSH D030342.

Submissions (2):

ClinGen Myeloid Malignancy Variant Curation Expert Panel
Classification: Likely benign for Hereditary thrombocytopenia and hematologic cancer predisposition syndrome. Last evaluated: 2025-02-25. Review status: reviewed by expert panel. Criteria: ClinGen MyeloMalig ACMG Specifications v2. Collection method: curation. Allele origin: germline. Inheritance: Autosomal dominant inheritance.
Comment: NM_001754.5(RUNX1):c.69T>G (p.Leu23=) is a synonymous variant which has a SpliceAI score ≤ 0.20 (0.02) (BP4). This variant has a SpliceAI score ≤ 0.20 (0.02) and evolutionary conservation prediction algorithms predict the site as not being conserved (PhyloP score ≤ 2.0 (-0.04) (BP7). This variant is completely absent from all population databases with at least 20x coverage for RUNX1 (PM2_Supporting). In summary, this variant meets the criteria to be classified as likely benign. ACMG/AMP criteria applied, as specified by the Myeloid Malignancy Variant Curation Expert Panel for RUNX1: BP4, BP7, PM2_supporting.

Ambry Genetics
Classification: Likely benign for Inborn genetic diseases. Last evaluated: 2024-11-27. Review status: criteria provided, single submitter. Criteria: Ambry Variant Classification Scheme 2023. Collection method: clinical testing. Allele origin: germline. Not counted in ClinVar's aggregate classification.

NM_001754.5(RUNX1):c.69T>G (p.Leu23=)

Gene: RUNX1 (RUNX family transcription factor 1; minus strand). Cytogenetic location: 21q22.12.
Variant type: single nucleotide variant.
Coding change: c.69T>G on transcript NM_001754.5 (MANE Select); coding-DNA position 69, T replaced by G.
Protein change: p.Leu23=; no amino-acid change (leucine 23 retained).
Molecular consequence: synonymous variant.
Genome position (GRCh38, 1-based): chr21:34,892,953, A>C on the plus strand (T>G on the coding strand, the complement: RUNX1 is on the minus strand). VCF-style: chr21-34892953-A-C. GRCh37 (hg19) VCF-style: chr21-36265250-A-C.
Other names: NM_001754.5(RUNX1):c.69T>G; p.Leu23=.
Identifiers: ClinVar variation 3436406 (VCV003436406.2).